The following is an entry in ClinVar:

ClinVar aggregate classification (germline): Uncertain significance (1 of 4 stars; one submission).

Conditions:
APC2-related disorder. Also called: APC2-Related Disorders; APC2-related condition.

gnomAD v4.1: 72 of 1,613,070 alleles (0.0045%); highest among the groups gnomAD compares: African/African-American, 0.091%; no homozygotes.

Submission:

PreventionGenetics, part of Exact Sciences
Classification: Uncertain significance for APC2-related condition. Last evaluated: 2025-01-27. Review status: criteria provided, single submitter. Criteria: ACMG Guidelines, 2015. Collection method: clinical testing. Allele origin: germline.
Comment: The APC2 c.1735G>C variant is predicted to result in the amino acid substitution p.Gly579Arg. To our knowledge, this variant has not been reported in the literature. This variant is reported in 0.064% of alleles in individuals of African descent in gnomAD. At this time, the clinical significance of this variant is uncertain due to the absence of conclusive functional and genetic evidence.

NM_005883.3(APC2):c.1735G>C (p.Gly579Arg)

Gene: APC2 (APC regulator of Wnt signaling pathway 2; plus strand). Cytogenetic location: 19p13.3.
Variant type: single nucleotide variant.
Coding change: c.1735G>C on transcript NM_005883.3 (MANE Select); coding-DNA position 1735, G replaced by C.
Protein change: p.Gly579Arg; replaces glycine 579 with arginine.
Molecular consequence: missense variant.
Genome position (GRCh38, 1-based): chr19:1,462,059, G>C. VCF-style: chr19-1462059-G-C. GRCh37 (hg19) VCF-style: chr19-1462058-G-C.
Other names: c.1732G>C, p.Gly578Arg (NM_001351273.1); short protein forms G579R, G578R.
Identifiers: ClinVar variation 4990417 (VCV004990417.1).